The following is an entry in ClinVar:

NM_017739.4(POMGNT1):c.1409A>G (p.Glu470Gly)

Genes: POMGNT1 (protein O-linked mannose N-acetylglucosaminyltransferase 1 (beta 1,2-); minus strand), TSPAN1 (tetraspanin 1; plus strand). Cytogenetic location: 1p34.1.
Variant type: single nucleotide variant.
Coding change: c.1409A>G on transcript NM_017739.4 (MANE Select); coding-DNA position 1409, A replaced by G.
Protein change: p.Glu470Gly; replaces glutamic acid 470 with glycine.
Molecular consequence: missense variant.
Genome position (GRCh38, 1-based): chr1:46,192,312, T>C on the plus strand (A>G on the coding strand, the complement: POMGNT1 is on the minus strand). VCF-style: chr1-46192312-T-C. GRCh37 (hg19) VCF-style: chr1-46657984-T-C.
Other names: c.1409A>G, p.Glu470Gly (NM_001243766.2, NM_001410783.1); c.1343A>G, p.Glu448Gly (NM_001290129.3); c.980A>G, p.Glu327Gly (NM_001290130.2); short protein forms E327G, E470G, E448G.
Identifiers: ClinVar variation 1353883 (VCV001353883.4), dbSNP rs781221088, ClinGen allele CA833395.

ClinVar aggregate classification (germline): Conflicting classifications of pathogenicity. Review status: criteria provided, conflicting classifications (1 of 4 stars). 2 submissions from 2 submitters: Likely pathogenic (1); Uncertain significance (1). Last evaluated 2023-10-16.

Conditions:
POMGNT1-related disorder. Also called: POMGNT1-related condition; POMGNT1-related disorders. Identifiers: MedGen CN239299.
Autosomal recessive limb-girdle muscular dystrophy type 2O. Also called: Limb-Girdle Muscular Dystrophy Type 3C; MUSCULAR DYSTROPHY-DYSTROGLYCANOPATHY (LIMB-GIRDLE), TYPE C, 3; MUSCULAR DYSTROPHY-DYSTROGLYCANOPATHY, LIMB-GIRDLE, POMGNT1-RELATED. Identifiers: Orphanet 206564, MedGen C3150417, MONDO:0013161, OMIM 613157.
Muscular dystrophy-dystroglycanopathy (congenital with impaired intellectual development), type B, 3. Also called: MUSCULAR DYSTROPHY, CONGENITAL, POMGNT1-RELATED; Muscular dystrophy-dystroglycanopathy (congenital with intellectual disability), type B3. Identifiers: MedGen C3150412, MONDO:0013155, OMIM 613151.

Allele frequency attached by ClinVar (database versions not stated): gnomAD 0.00001; gnomAD exomes 0.00004 and 0.00003; TOPMed 0.00002; ExAC 0.00008.
gnomAD v4.1: 21 of 1,614,020 alleles (0.0013%); highest among the groups gnomAD compares: Non-Finnish European, 0.0014%; no homozygotes.

Submissions (2):

Blueprint Genetics
Classification: Likely pathogenic for POMGNT1-related disorders. Last evaluated: 2023-10-16. Review status: criteria provided, single submitter. Criteria: ACMG Guidelines, 2015. Collection method: clinical testing. Allele origin: germline. Affected: yes. Observed: 3 variant alleles.

Labcorp Genetics (formerly Invitae), Labcorp
Classification: Uncertain significance for Autosomal recessive limb-girdle muscular dystrophy type 2O; Muscular dystrophy-dystroglycanopathy (congenital with impaired intellectual development), type B, 3. Last evaluated: 2022-02-03. Review status: criteria provided, single submitter. Criteria: Invitae Variant Classification Sherloc (09022015). Collection method: clinical testing. Allele origin: germline.
Comment: This sequence change replaces glutamic acid, which is acidic and polar, with glycine, which is neutral and non-polar, at codon 470 of the POMGNT1 protein (p.Glu470Gly). This variant is present in population databases (rs781221088, gnomAD 0.008%). This variant has not been reported in the literature in individuals affected with POMGNT1-related conditions. Advanced modeling of protein sequence and biophysical properties (such as structural, functional, and spatial information, amino acid conservation, physicochemical variation, residue mobility, and thermodynamic stability) performed at Invitae indicates that this missense variant is not expected to disrupt POMGNT1 protein function. In summary, the available evidence is currently insufficient to determine the role of this variant in disease. Therefore, it has been classified as a Variant of Uncertain Significance.